The following is an entry in ClinVar:

NM_000520.6(HEXA):c.1487C>G (p.Ala496Gly)

Gene: HEXA (hexosaminidase subunit alpha; minus strand). Cytogenetic location: 15q23.
Variant type: single nucleotide variant.
Coding change: c.1487C>G on transcript NM_000520.6 (MANE Select); coding-DNA position 1487, C replaced by G.
Protein change: p.Ala496Gly; replaces alanine 496 with glycine.
Molecular consequence: missense variant. On other transcripts: non-coding transcript variant (1).
Genome position (GRCh38, 1-based): chr15:72,345,485, G>C on the plus strand (C>G on the coding strand, the complement: HEXA is on the minus strand). VCF-style: chr15-72345485-G-C. GRCh37 (hg19) VCF-style: chr15-72637826-G-C.
Other names: p.Ala496Gly; c.1487C>G (NM_000520.4); c.1520C>G, p.Ala507Gly (NM_001318825.2); short protein forms A496G, A507G.
Identifiers: ClinVar variation 2139666 (VCV002139666.4), dbSNP rs373781108, ClinGen allele CA7644666.
Genomic context (GRCh38, chr15:72,345,485, plus strand): 5'-AAGGCCCCACAGCTTGCTTACCTCAGCAATTCACAGCGGAAGTGTGACAAACGTTCATAG[G>C]CAAATGTCAGGTCAGATGTCAACTTGTTGCTCCACAGCCTTTCGGCAACAGCCCCTGCTC-3'
Protein context (NP_000511.2, residues 486-506): SNKLTSDLTF[Ala496Gly]YERLSHFRCE

ClinVar aggregate classification (germline): Uncertain significance. Review status: criteria provided, multiple submitters, no conflicts (2 of 4 stars). 3 submissions from 3 submitters: Uncertain significance (3). Last evaluated 2024-01-22.

Conditions:
Tay-Sachs disease (TSD). Also called: GM2 gangliosidosis, type 1; Hexosaminidase alpha-subunit deficiency (variant B); Sphingolipidosis, Tay-Sachs; Hexosaminidase A Deficiency; HEXA DEFICIENCY; HEXA Disorders. Identifiers: Orphanet 845, MedGen C0039373, MONDO:0010100, OMIM 272800.
Inborn genetic diseases. Identifiers: MedGen C0950123, MeSH D030342.

Allele frequency attached by ClinVar (database versions not stated): gnomAD exomes 0.00002; TOPMed 0.00002; gnomAD 0.00003; ExAC 0.00007; ESP Exome Variant Server 0.00008.
gnomAD v4.1: 35 of 1,614,122 alleles (0.0022%); highest among the groups gnomAD compares: Non-Finnish European, 0.0015%; no homozygotes.

Submissions (3):

Labcorp Genetics (formerly Invitae), Labcorp
Classification: Uncertain significance for Tay-Sachs disease. Last evaluated: 2024-01-22. Review status: criteria provided, single submitter. Criteria: Invitae Variant Classification Sherloc (09022015). Collection method: clinical testing. Allele origin: germline.
Comment: This sequence change replaces alanine, which is neutral and non-polar, with glycine, which is neutral and non-polar, at codon 496 of the HEXA protein (p.Ala496Gly). This variant is present in population databases (rs373781108, gnomAD 0.02%). This variant has not been reported in the literature in individuals affected with HEXA-related conditions. ClinVar contains an entry for this variant (Variation ID: 2139666). Advanced modeling of protein sequence and biophysical properties (such as structural, functional, and spatial information, amino acid conservation, physicochemical variation, residue mobility, and thermodynamic stability) performed at Invitae indicates that this missense variant is expected to disrupt HEXA protein function with a positive predictive value of 95%. In summary, the available evidence is currently insufficient to determine the role of this variant in disease. Therefore, it has been classified as a Variant of Uncertain Significance.

Ambry Genetics
Classification: Uncertain significance for Inborn genetic diseases. Last evaluated: 2023-12-02. Review status: criteria provided, single submitter. Criteria: Ambry Variant Classification Scheme 2023. Collection method: clinical testing. Allele origin: germline.
Comment: The p.A496G variant (also known as c.1487C>G), located in coding exon 13 of the HEXA gene, results from a C to G substitution at nucleotide position 1487. The alanine at codon 496 is replaced by glycine, an amino acid with similar properties. This amino acid position is conserved. In addition, this alteration is predicted to be deleterious by in silico analysis. Since supporting evidence is limited at this time, the clinical significance of this alteration remains unclear.

Mayo Clinic Laboratories, Mayo Clinic
Classification: Uncertain significance. Last evaluated: 2022-12-08. Review status: criteria provided, single submitter. Criteria: ACMG Guidelines, 2015. Collection method: clinical testing. Allele origin: germline. Observed: 1 variant allele.
Comment: PP3, PM3